The following is an entry in ClinVar:

NM_007327.4(GRIN1):c.2171+14G>A

Gene: GRIN1 (glutamate ionotropic receptor NMDA type subunit 1; plus strand). Cytogenetic location: 9q34.3.
Variant type: single nucleotide variant.
Coding change: c.2171+14G>A on transcript NM_007327.4 (MANE Select); 14 bases into the intron after coding-DNA position 2171, G replaced by A.
Molecular consequence: intron variant.
Genome position (GRCh38, 1-based): chr9:137,163,017, G>A. VCF-style: chr9-137163017-G-A. GRCh37 (hg19) VCF-style: chr9-140057469-G-A.
Other names: c.2234+14G>A (NM_001185090.2, NM_001185091.2); c.2171+14G>A (NM_021569.4, NM_000832.7).
Identifiers: ClinVar variation 507164 (VCV000507164.4), dbSNP rs377411804, ClinGen allele CA5361062.

ClinVar aggregate classification (germline): Likely benign. Review status: criteria provided, multiple submitters, no conflicts (2 of 4 stars). 2 submissions from 2 submitters: Likely benign (2). Last evaluated 2023-05-20.

Conditions:
Neurodevelopmental disorder with or without hyperkinetic movements and seizures, autosomal dominant. Also called: Intellectual disability, autosomal dominant 8. Identifiers: MedGen C3280282, MONDO:0013655, OMIM 614254.

Allele frequency attached by ClinVar (database versions not stated): gnomAD exomes below 0.00001 and 0.00001; gnomAD 0.00001; ExAC 0.00002; TOPMed 0.00003; ESP Exome Variant Server 0.00015.
gnomAD v4.1: 2 of 1,579,644 alleles (0.00013%); highest among the groups gnomAD compares: African/African-American, 0.0013%; no homozygotes.

Submissions (2):

Labcorp Genetics (formerly Invitae), Labcorp
Classification: Likely benign for Neurodevelopmental disorder with or without hyperkinetic movements and seizures, autosomal dominant. Last evaluated: 2023-05-20. Review status: criteria provided, single submitter. Criteria: Invitae Variant Classification Sherloc (09022015). Collection method: clinical testing. Allele origin: germline.

GeneDx
Classification: Likely benign. Last evaluated: 2017-02-03. Review status: criteria provided, single submitter. Criteria: GeneDx Variant Classification (06012015). Collection method: clinical testing. Allele origin: germline. Affected: yes.
Comment: This variant is considered likely benign or benign based on one or more of the following criteria: it is a conservative change, it occurs at a poorly conserved position in the protein, it is predicted to be benign by multiple in silico algorithms, and/or has population frequency not consistent with disease.